The following is an entry in ClinVar:

NM_001005388.3(NFASC):c.3046G>A (p.Val1016Ile)

Gene: NFASC (neurofascin; plus strand). Cytogenetic location: 1q32.1.
Variant type: single nucleotide variant.
Coding change: c.3046G>A on transcript NM_001005388.3 (MANE Select); coding-DNA position 3046, G replaced by A.
Protein change: p.Val1016Ile; replaces valine 1016 with isoleucine.
Molecular consequence: missense variant. On other transcripts: intron variant (4).
Genome position (GRCh38, 1-based): chr1:205,001,196, G>A. VCF-style: chr1-205001196-G-A. GRCh37 (hg19) VCF-style: chr1-204970324-G-A.
Other names: c.3367G>A, p.Val1123Ile (NM_001378329.1); c.3092-8361G>A (NM_001160332.2); c.3077-8361G>A (NM_015090.4); c.2756-8361G>A (NM_001365986.1); c.3137-8361G>A (NM_001160331.2); short protein forms V1016I, V1123I.
Identifiers: ClinVar variation 2582211 (VCV002582211.1), dbSNP rs750429941, ClinGen allele CA1350633.

ClinVar aggregate classification (germline): Uncertain significance (1 of 4 stars; one submission).

Allele frequency attached by ClinVar (database versions not stated): gnomAD 0.00002; gnomAD exomes 0.00002; TOPMed 0.00002; ExAC 0.00003; 1000 Genomes Project 30x 0.00016.
gnomAD v4.1: 30 of 1,611,666 alleles (0.0019%); highest among the groups gnomAD compares: Admixed American, 0.022%; no homozygotes.

Submission:

GeneDx
Classification: Uncertain significance. Last evaluated: 2023-03-30. Review status: criteria provided, single submitter. Criteria: GeneDx Variant Classification Process June 2021. Collection method: clinical testing. Allele origin: germline. Affected: yes.
Comment: In silico analysis supports that this variant does not alter splicing; Has not been previously published as pathogenic or benign to our knowledge; Reported using an alternate transcript of the gene